The following is an entry in ClinVar:

ClinVar aggregate classification (germline): Uncertain significance (1 of 4 stars; one submission).

Conditions:
Isolated microphthalmia 6. Also called: MICROPHTHALMIA, POSTERIOR NONSYNDROMIC. Identifiers: Orphanet 2542, MedGen C3150757, MONDO:0013293, OMIM 613517.

gnomAD v4.1: 2 of 1,535,512 alleles (0.00013%); highest among the groups gnomAD compares: East Asian, 0.0049%; no homozygotes.

Submission:

Labcorp Genetics (formerly Invitae), Labcorp
Classification: Uncertain significance for Isolated microphthalmia 6. Last evaluated: 2022-09-21. Review status: criteria provided, single submitter. Criteria: Invitae Variant Classification Sherloc (09022015). Collection method: clinical testing. Allele origin: germline.
Comment: Algorithms developed to predict the effect of missense changes on protein structure and function output the following: SIFT: "Tolerated"; PolyPhen-2: "Not Available"; Align-GVGD: "Class C0". The histidine amino acid residue is found in multiple mammalian species, which suggests that this missense change does not adversely affect protein function. This missense change has been observed in individual(s) with PRSS56-related conditions (PMID: 25587058). This variant is not present in population databases (gnomAD no frequency). This sequence change replaces arginine, which is basic and polar, with histidine, which is basic and polar, at codon 467 of the PRSS56 protein (p.Arg467His). In summary, the available evidence is currently insufficient to determine the role of this variant in disease. Therefore, it has been classified as a Variant of Uncertain Significance.

Literature cited by the submitters: PubMed 25587058.

NM_001195129.2(PRSS56):c.1400G>A (p.Arg467His)

Gene: PRSS56 (serine protease 56; plus strand). Cytogenetic location: 2q37.1.
Variant type: single nucleotide variant.
Coding change: c.1400G>A on transcript NM_001195129.2 (MANE Select); coding-DNA position 1400, G replaced by A.
Protein change: p.Arg467His; replaces arginine 467 with histidine.
Molecular consequence: missense variant.
Genome position (GRCh38, 1-based): chr2:232,524,355, G>A. VCF-style: chr2-232524355-G-A. GRCh37 (hg19) VCF-style: chr2-233389065-G-A.
Other names: c.1403G>A, p.Arg468His (NM_001369848.1); short protein forms R467H, R468H.
Identifiers: ClinVar variation 2202398 (VCV002202398.4), dbSNP rs554826646, ClinGen allele CA350994185.
Genomic context (GRCh38, chr2:232,524,355, plus strand): 5'-GTGCCTCCCCAGGATCGCGGGCTGCAGGCACTCGGTTCCCGAAGCGGAGGCCGGAGCCGC[G>A]CGGAGAAGCCAACGGTAATGACGCCCCCTGCCGACCTTCAGGAGGGGATAGGCTGAGGGC-3'
Protein context (NP_001182058.1, residues 457-477): TRFPKRRPEP[Arg467His]GEANGCPGLE